The following is an entry in ClinVar:

NM_000183.3(HADHB):c.1000A>C (p.Lys334Gln)

Gene: HADHB (hydroxyacyl-CoA dehydrogenase trifunctional multienzyme complex subunit beta; plus strand). Cytogenetic location: 2p23.3.
Variant type: single nucleotide variant.
Coding change: c.1000A>C on transcript NM_000183.3 (MANE Select); coding-DNA position 1000, A replaced by C.
Protein change: p.Lys334Gln; replaces lysine 334 with glutamine.
Molecular consequence: missense variant.
Genome position (GRCh38, 1-based): chr2:26,282,911, A>C. VCF-style: chr2-26282911-A-C. GRCh37 (hg19) VCF-style: chr2-26505779-A-C.
Other names: c.955A>C, p.Lys319Gln (NM_001281512.2); c.934A>C, p.Lys312Gln (NM_001281513.2); short protein forms K312Q, K319Q, K334Q.
Identifiers: ClinVar variation 1014654 (VCV001014654.6), dbSNP rs774054520, ClinGen allele CA1560408.

ClinVar aggregate classification (germline): Uncertain significance (1 of 4 stars; one submission).

Conditions:
Mitochondrial trifunctional protein deficiency. Identifiers: Orphanet 746, MedGen C1969443, MONDO:0012172.

Allele frequency attached by ClinVar (database versions not stated): gnomAD exomes below 0.00001 and 0.00002; ExAC 0.00002; gnomAD 0.00005; TOPMed 0.00008.

Submission:

Labcorp Genetics (formerly Invitae), Labcorp
Classification: Uncertain significance for Mitochondrial trifunctional protein deficiency. Last evaluated: 2021-08-31. Review status: criteria provided, single submitter. Criteria: Invitae Variant Classification Sherloc (09022015). Collection method: clinical testing. Allele origin: germline.
Comment: This sequence change replaces lysine with glutamine at codon 334 of the HADHB protein (p.Lys334Gln). The lysine residue is highly conserved and there is a small physicochemical difference between lysine and glutamine. This variant is present in population databases (rs774054520, ExAC 0.03%). This variant has not been reported in the literature in individuals affected with HADHB-related conditions. Algorithms developed to predict the effect of missense changes on protein structure and function (SIFT, PolyPhen-2, Align-GVGD) all suggest that this variant is likely to be disruptive. In summary, the available evidence is currently insufficient to determine the role of this variant in disease. Therefore, it has been classified as a Variant of Uncertain Significance.